The following is an entry in ClinVar:

ClinVar aggregate classification (germline): Likely benign. Review status: criteria provided, multiple submitters, no conflicts (2 of 4 stars). 3 submissions from 3 submitters: Likely benign (2). 1 of the submissions does not count toward it. Last evaluated 2026-01-26.

Conditions:
GRM6-related disorder. Also called: GRM6-related condition.

Allele frequency attached by ClinVar (database versions not stated): gnomAD exomes 0.00041; ExAC 0.00045; gnomAD 0.00144 and 0.00154; ESP Exome Variant Server 0.00146; 1000 Genomes Project 30x 0.00156; 1000 Genomes Project 0.00160; TOPMed 0.00176.
gnomAD v4.1: 448 of 1,613,842 alleles (0.028%); highest among the groups gnomAD compares: African/African-American, 0.55%; 2 homozygotes.

Submissions (3):

Labcorp Genetics (formerly Invitae), Labcorp
Classification: Likely benign. Last evaluated: 2026-01-26. Review status: criteria provided, single submitter. Criteria: Invitae Variant Classification Sherloc (09022015). Collection method: clinical testing. Allele origin: germline.

Blueprint Genetics
Classification: Likely benign. Last evaluated: 2024-10-21. Review status: criteria provided, single submitter. Criteria: ACMG Guidelines, 2015. Collection method: clinical testing. Allele origin: germline.

PreventionGenetics, part of Exact Sciences
Classification: Likely benign for GRM6-related condition. Last evaluated: 2019-09-19. Review status: no assertion criteria provided. Collection method: clinical testing. Allele origin: germline. Not counted in ClinVar's aggregate classification.
Comment: This variant is classified as likely benign based on ACMG/AMP sequence variant interpretation guidelines (Richards et al. 2015 PMID: 25741868, with internal and published modifications).

NM_000843.4(GRM6):c.2588C>T (p.Thr863Met)

Genes: GRM6 (glutamate metabotropic receptor 6; minus strand), ZNF454 (zinc finger protein 454; plus strand). Cytogenetic location: 5q35.3.
Variant type: single nucleotide variant.
Coding change: c.2588C>T on transcript NM_000843.4 (MANE Select); coding-DNA position 2588, C replaced by T.
Protein change: p.Thr863Met; replaces threonine 863 with methionine.
Molecular consequence: missense variant.
Genome position (GRCh38, 1-based): chr5:178,981,703, G>A on the plus strand (C>T on the coding strand, the complement: GRM6 is on the minus strand). VCF-style: chr5-178981703-G-A. GRCh37 (hg19) VCF-style: chr5-178408704-G-A.
Other names: short protein forms T863M.
Identifiers: ClinVar variation 788529 (VCV000788529.13), dbSNP rs61733042, ClinGen allele CA3593499.